The following is an entry in ClinVar:

NM_000092.5(COL4A4):c.816G>A (p.Lys272=)

Gene: COL4A4 (collagen type IV alpha 4 chain; minus strand). Cytogenetic location: 2q36.3.
Variant type: single nucleotide variant.
Coding change: c.816G>A on transcript NM_000092.5 (MANE Select); coding-DNA position 816, G replaced by A.
Protein change: p.Lys272=; no amino-acid change (lysine 272 retained).
Molecular consequence: synonymous variant.
Genome position (GRCh38, 1-based): chr2:227,103,972, C>T on the plus strand (G>A on the coding strand, the complement: COL4A4 is on the minus strand). VCF-style: chr2-227103972-C-T. GRCh37 (hg19) VCF-style: chr2-227968688-C-T.
Identifiers: ClinVar variation 3585918 (VCV003585918.2).

ClinVar aggregate classification (germline): Uncertain significance. Review status: criteria provided, multiple submitters, no conflicts (2 of 4 stars). 2 submissions from 2 submitters: Uncertain significance (2). Last evaluated 2025-10-29.

Conditions:
Autosomal recessive Alport syndrome (ATS2). Also called: COL4A4 Alport Syndrome and Thin Basement Membrane Nephropathy; Alport syndrome type 2; ALPORT SYNDROME 2, AUTOSOMAL RECESSIVE; COL4A3-Related Nephropathy. Identifiers: Orphanet 63, Orphanet 88919, MedGen C4746745, MONDO:0008762, OMIM 203780.
Hematuria, benign familial, 1 (BFH1). Also called: THIN MEMBRANE NEPHROPATHY. Identifiers: MedGen CN376803, MONDO:0007709, OMIM 141200.
Hematuria. Identifiers: MedGen C0018965, HP:0000790.

gnomAD v4.1: 2 of 1,612,394 alleles (0.00012%); highest among the groups gnomAD compares: Non-Finnish European, 0.00017%; no homozygotes.

Submissions (2):

Genetics Laboratory, Great Ormond Street Hospital NHS Foundation Trust, North Thames Genomic Laboratory Hub
Classification: Uncertain significance for Haematuria. Last evaluated: 2025-10-29. Review status: criteria provided, single submitter. Criteria: ACGS Best Practice Guidelines for Variant Classification in Rare Disease 2024 v1.2. Collection method: clinical testing. Allele origin: germline. Affected: yes.
Comment: PM2_moderate, PP3_supporting, PP4_supporting

Fulgent Genetics
Classification: Uncertain significance for Hematuria, benign familial, 1; Autosomal recessive Alport syndrome. Last evaluated: 2024-04-20. Review status: criteria provided, single submitter. Criteria: ACMG Guidelines, 2015. Collection method: clinical testing. Allele origin: germline.